The following is an entry in ClinVar:

ClinVar aggregate classification (germline): Likely benign. Review status: criteria provided, multiple submitters, no conflicts (2 of 4 stars). 2 submissions from 2 submitters: Likely benign (2). Last evaluated 2026-09-01.

Conditions:
Muscular dystrophy-dystroglycanopathy type B6 (MDDGB6). Also called: MUSCULAR DYSTROPHY, CONGENITAL, LARGE-RELATED; MUSCULAR DYSTROPHY, CONGENITAL, TYPE 1D; MUSCULAR DYSTROPHY-DYSTROGLYCANOPATHY (CONGENITAL WITH IMPAIRED INTELLECTUAL DEVELOPMENT), TYPE B, 6. Identifiers: MedGen C1837229, MONDO:0012138, OMIM 608840.

Allele frequency attached by ClinVar (database versions not stated): gnomAD exomes below 0.00001; TOPMed 0.00001; ExAC 0.00002.
gnomAD v4.1: 2 of 1,606,836 alleles (0.00012%); highest among the groups gnomAD compares: Admixed American, 0.0033%; no homozygotes.

Submissions (2):

CeGaT Center for Human Genetics Tuebingen
Classification: Likely benign. Last evaluated: 2026-09-01. Review status: criteria provided, single submitter. Criteria: CeGaT Center For Human Genetics Tuebingen Variant Classification Criteria Version 2. Collection method: clinical testing. Allele origin: germline. Affected: yes. Observed: 2 variant alleles.
Comment: LARGE1: BP4, BP7

Labcorp Genetics (formerly Invitae), Labcorp
Classification: Likely benign for Muscular dystrophy-dystroglycanopathy type B6. Last evaluated: 2024-06-11. Review status: criteria provided, single submitter. Criteria: Invitae Variant Classification Sherloc (09022015). Collection method: clinical testing. Allele origin: germline.

NM_133642.5(LARGE1):c.198G>A (p.Glu66=)

Gene: LARGE1 (LARGE xylosyl- and glucuronyltransferase 1; minus strand). Cytogenetic location: 22q12.3.
Variant type: single nucleotide variant.
Coding change: c.198G>A on transcript NM_133642.5 (MANE Select); coding-DNA position 198, G replaced by A.
Protein change: p.Glu66=; no amino-acid change (glutamic acid 66 retained).
Molecular consequence: synonymous variant.
Genome position (GRCh38, 1-based): chr22:33,650,577, C>T on the plus strand (G>A on the coding strand, the complement: LARGE1 is on the minus strand). VCF-style: chr22-33650577-C-T. GRCh37 (hg19) VCF-style: chr22-34046563-C-T.
Other names: c.198G>A, p.Glu66= (NM_001362949.2, NM_001362951.2, NM_001362953.2 and 7 more transcripts).
Identifiers: ClinVar variation 2714362 (VCV002714362.7), dbSNP rs779936923, ClinGen allele CA10203125.